The following is an entry in ClinVar:

ClinVar aggregate classification (germline): Uncertain significance (1 of 4 stars; one submission).

Conditions:
Inborn genetic diseases. Identifiers: MedGen C0950123, MeSH D030342.

Submission:

Ambry Genetics
Classification: Uncertain significance for Inborn genetic diseases. Last evaluated: 2025-12-18. Review status: criteria provided, single submitter. Criteria: Ambry Variant Classification Scheme 2023. Collection method: clinical testing. Allele origin: germline.
Comment: The p.T217I variant (also known as c.650C>T), located in coding exon 1 of the CEBPA gene, results from a C to T substitution at nucleotide position 650. The threonine at codon 217 is replaced by isoleucine, an amino acid with similar properties. This amino acid position is conserved. In addition, this alteration is predicted to be tolerated by in silico analysis. Based on the available evidence, the clinical significance of this variant remains unclear.

NM_004364.5(CEBPA):c.650C>T (p.Thr217Ile)

Gene: CEBPA (CCAAT enhancer binding protein alpha; minus strand). Cytogenetic location: 19q13.11.
Variant type: single nucleotide variant.
Coding change: c.650C>T on transcript NM_004364.5 (MANE Select); coding-DNA position 650, C replaced by T.
Protein change: p.Thr217Ile; replaces threonine 217 with isoleucine.
Molecular consequence: missense variant.
Genome position (GRCh38, 1-based): chr19:33,301,765, G>A on the plus strand (C>T on the coding strand, the complement: CEBPA is on the minus strand). VCF-style: chr19-33301765-G-A. GRCh37 (hg19) VCF-style: chr19-33792671-G-A.
Other names: c.293C>T, p.Thr98Ile (NM_001285829.2); c.755C>T, p.Thr252Ile (NM_001287424.2); c.608C>T, p.Thr203Ile (NM_001287435.2); short protein forms T203I, T98I, T217I, T252I.
Identifiers: ClinVar variation 4843290 (VCV004843290.1).